The following is an entry in ClinVar:

NM_000540.3(RYR1):c.845G>A (p.Arg282Gln)

Gene: RYR1 (ryanodine receptor 1; plus strand). Cytogenetic location: 19q13.2.
Variant type: single nucleotide variant.
Coding change: c.845G>A on transcript NM_000540.3 (MANE Select); coding-DNA position 845, G replaced by A.
Protein change: p.Arg282Gln; replaces arginine 282 with glutamine.
Molecular consequence: missense variant.
Genome position (GRCh38, 1-based): chr19:38,448,399, G>A. VCF-style: chr19-38448399-G-A. GRCh37 (hg19) VCF-style: chr19-38939039-G-A.
Other names: c.845G>A (NM_000540.2); c.845G>A, p.Arg282Gln (NM_001042723.2); short protein forms R282Q.
Identifiers: ClinVar variation 193601 (VCV000193601.14), dbSNP rs201164249, ClinGen allele CA024921.

ClinVar aggregate classification (germline): Uncertain significance. Review status: criteria provided, multiple submitters, no conflicts (2 of 4 stars). 5 submissions from 5 submitters: Uncertain significance (5). Last evaluated 2024-02-07.

Conditions:
RYR1-related disorder. Also called: RYR1-related disorders; RYR1-related condition. Identifiers: MedGen CN239331.
Malignant hyperthermia, susceptibility to, 1 (MHS1). Also called: Anesthesia related hyperthermia; Malignant hyperpyrexia; Fulminating hyperpyrexia; Pharmacogenic myopathy; Malignant hyperthermia suceptibility 1; RYR1-Related Malignant Hyperthermia Susceptibility. Identifiers: Orphanet 423, MedGen C2930980, MONDO:0007783, OMIM 145600.

Allele frequency attached by ClinVar (database versions not stated): gnomAD 0.00003; TOPMed 0.00003; ExAC 0.00004; gnomAD exomes 0.00004 and 0.00005.

Submissions (5):

Color Diagnostics, LLC DBA Color Health
Classification: Uncertain significance for Malignant hyperthermia, susceptibility to, 1. Last evaluated: 2024-02-07. Review status: criteria provided, single submitter. Criteria: ACMG Guidelines, 2015. Collection method: clinical testing. Allele origin: germline.
Comment: This missense variant replaces arginine with glutamine at codon 282 of the RYR1 protein. Computational prediction suggests that this variant may have deleterious impact on protein structure and function. To our knowledge, functional studies have not been reported for this variant. This variant has not been reported in individuals affected with RYR1-related disorders in the literature. This variant has been identified in 10/280968 chromosomes in the general population by the Genome Aggregation Database (gnomAD). The available evidence is insufficient to determine the role of this variant in disease conclusively. Therefore, this variant is classified as a Variant of Uncertain Significance.

All of Us Research Program, National Institutes of Health
Classification: Uncertain significance for Malignant hyperthermia, susceptibility to, 1. Last evaluated: 2023-10-27. Review status: criteria provided, single submitter. Criteria: ACMG Guidelines, 2015. Collection method: clinical testing. Allele origin: germline. Inheritance: Autosomal dominant inheritance. Observed: 8 variant alleles, 8 heterozygotes.
Comment: This missense variant replaces arginine with glutamine at codon 282 of the RYR1 protein. Computational prediction suggests that this variant may have deleterious impact on protein structure and function. To our knowledge, functional studies have not been reported for this variant. This variant has not been reported in individuals affected with RYR1-related disorders in the literature. This variant has been identified in 10/280968 chromosomes in the general population by the Genome Aggregation Database (gnomAD). The available evidence is insufficient to determine the role of this variant in disease conclusively. Therefore, this variant is classified as a Variant of Uncertain Significance.

This study involves interpretation of variants in research participants for the purpose of population health screening. Participant phenotype was not available at the time of variant classification. Additional details can be found in publication PMID: 35346344, PMCID: PMC8962531

Labcorp Genetics (formerly Invitae), Labcorp
Classification: Uncertain significance for RYR1-related disorder. Last evaluated: 2022-08-16. Review status: criteria provided, single submitter. Criteria: Invitae Variant Classification Sherloc (09022015). Collection method: clinical testing. Allele origin: germline.
Comment: This sequence change replaces arginine, which is basic and polar, with glutamine, which is neutral and polar, at codon 282 of the RYR1 protein (p.Arg282Gln). This variant is present in population databases (rs201164249, gnomAD 0.009%). This variant has not been reported in the literature in individuals affected with RYR1-related conditions. ClinVar contains an entry for this variant (Variation ID: 193601). Advanced modeling of protein sequence and biophysical properties (such as structural, functional, and spatial information, amino acid conservation, physicochemical variation, residue mobility, and thermodynamic stability) performed at Invitae indicates that this missense variant is expected to disrupt RYR1 protein function. In summary, the available evidence is currently insufficient to determine the role of this variant in disease. Therefore, it has been classified as a Variant of Uncertain Significance.

Revvity Omics, Revvity
Classification: Uncertain significance. Last evaluated: 2020-09-25. Review status: criteria provided, single submitter. Criteria: ACMG Guidelines, 2015. Collection method: clinical testing. Allele origin: germline.

Eurofins Ntd Llc (ga)
Classification: Uncertain significance. Last evaluated: 2015-05-05. Review status: criteria provided, single submitter. Criteria: EGL Classification Definitions 2015. Collection method: clinical testing. Allele origin: germline. Observed: 1 variant allele, 1 heterozygote.